The following is an entry in ClinVar:

ClinVar aggregate classification (germline): Uncertain significance (1 of 4 stars; one submission).

gnomAD v4.1: 1 of 1,613,506 alleles (0.000062%); highest among the groups gnomAD compares: Non-Finnish European, 0.000085%; no homozygotes.

Submission:

GeneDx
Classification: Uncertain significance. Last evaluated: 2026-03-22. Review status: criteria provided, single submitter. Criteria: GeneDx Variant Classification Process June 2021. Collection method: clinical testing. Allele origin: germline.
Comment: Not observed at significant frequency in large population cohorts (gnomAD); In silico analysis supports that this missense variant has a deleterious effect on protein structure/function; Has not been previously published as pathogenic or benign to our knowledge

NM_000719.7(CACNA1C):c.304C>G (p.Arg102Gly)

Gene: CACNA1C (calcium voltage-gated channel subunit alpha1 C; plus strand). Cytogenetic location: 12p13.33.
Variant type: single nucleotide variant.
Coding change: c.304C>G on transcript NM_000719.7 (MANE Select); coding-DNA position 304, C replaced by G.
Protein change: p.Arg102Gly; replaces arginine 102 with glycine.
Molecular consequence: missense variant.
Genome position (GRCh38, 1-based): chr12:2,115,478, C>G. VCF-style: chr12-2115478-C-G. GRCh37 (hg19) VCF-style: chr12-2224644-C-G.
Other names: c.304C>G, p.Arg102Gly (NM_199460.4, NM_001129827.2, NM_001129829.2 and 19 more transcripts); short protein forms R102G.
Identifiers: ClinVar variation 5017028 (VCV005017028.1).